The following is an entry in ClinVar:

ClinVar aggregate classification (germline): Benign (1 of 4 stars; one submission).

Allele frequency attached by ClinVar (database versions not stated): 1000 Genomes Project 30x 0.97174; TOPMed 0.97433; 1000 Genomes Project 0.97464.
gnomAD v4.1: 148,688 of 152,096 alleles (98%); highest among the groups gnomAD compares: East Asian, 100%; 72,734 homozygotes.

Submission:

GeneDx
Classification: Benign. Last evaluated: 2018-06-16. Review status: criteria provided, single submitter. Criteria: GeneDx Variant Classification (06012015). Collection method: clinical testing. Allele origin: germline. Affected: yes.
Comment: This variant is considered likely benign or benign based on one or more of the following criteria: it is a conservative change, it occurs at a poorly conserved position in the protein, it is predicted to be benign by multiple in silico algorithms, and/or has population frequency not consistent with disease.

NM_020549.5(CHAT):c.699-315A>G

Gene: CHAT (choline O-acetyltransferase; plus strand). Cytogenetic location: 10q11.23.
Variant type: single nucleotide variant.
Coding change: c.699-315A>G on transcript NM_020549.5 (MANE Select); 315 bases into the intron before coding-DNA position 699, A replaced by G.
Molecular consequence: intron variant.
Genome position (GRCh38, 1-based): chr10:49,621,782, A>G. VCF-style: chr10-49621782-A-G. GRCh37 (hg19) VCF-style: chr10-50829828-A-G.
Other names: c.345-315A>G (NM_020984.4, NM_020985.4, NM_020986.4 and 2 more transcripts); c.453-315A>G (NM_001142933.2).
Identifiers: ClinVar variation 668072 (VCV000668072.1), dbSNP rs4488118, ClinGen allele CA206626234.
Genomic context (GRCh38, chr10:49,621,782, plus strand): 5'-CCTCTCTGCTCCCTCTCCTCTTCAAGATGATTCCAGTTTCCTCTCCCTTCCCCAAGAGCT[A>G]CTCGACCCCCAGTTCTCACCAAAGGACCATTTTGAATCCAAGGCTTGTGGTGGGCTCTCG-3'